The following is an entry in ClinVar:

ClinVar aggregate classification (germline): Uncertain significance (1 of 4 stars; one submission).

Conditions:
Immunodeficiency 18 (IMD18). Also called: CD3-EPSILON DEFICIENCY; CD3epsilon deficiency. Identifiers: MedGen C3810127, MONDO:0014278, OMIM 615615.

Submission:

Labcorp Genetics (formerly Invitae), Labcorp
Classification: Uncertain significance for Immunodeficiency 18. Last evaluated: 2022-11-29. Review status: criteria provided, single submitter. Criteria: Invitae Variant Classification Sherloc (09022015). Collection method: clinical testing. Allele origin: unknown.
Comment: In summary, the available evidence is currently insufficient to determine the role of this variant in disease. Therefore, it has been classified as a Variant of Uncertain Significance. Experimental studies and prediction algorithms are not available or were not evaluated, and the functional significance of this variant is currently unknown. This variant has not been reported in the literature in individuals affected with CD3E-related conditions. A copy number gain of the genomic region encompassing the full coding sequence of the CD3E gene has been identified. The boundaries of this event are unknown as they extend beyond the assayed region for this gene and therefore may encompass additional genes. As the precise location of this event is unknown, it may be in tandem or it may be located elsewhere in the genome.

NC_000011.9:g.(?_118175668)_(118186257_?)dup

Gene: CD3E (CD3 epsilon subunit of T-cell receptor complex; plus strand). Cytogenetic location: 11q23.3.
Variant type: Duplication.
Identifiers: ClinVar variation 3244674 (VCV003244674.1).